The following is an entry in ClinVar:

NM_181882.3(PRX):c.2843C>G (p.Ala948Gly)

Gene: PRX (periaxin; minus strand). Cytogenetic location: 19q13.2.
Variant type: single nucleotide variant.
Coding change: c.2843C>G on transcript NM_181882.3 (MANE Select); coding-DNA position 2843, C replaced by G.
Protein change: p.Ala948Gly; replaces alanine 948 with glycine.
Molecular consequence: missense variant. On other transcripts: 3 prime UTR variant (1).
Genome position (GRCh38, 1-based): chr19:40,395,509, G>C on the plus strand (C>G on the coding strand, the complement: PRX is on the minus strand). VCF-style: chr19-40395509-G-C. GRCh37 (hg19) VCF-style: chr19-40901416-G-C.
Other names: c.*3048C>G (NM_020956.2); short protein forms A948G.
Identifiers: ClinVar variation 1045749 (VCV001045749.8), dbSNP rs2079424981, ClinGen allele CA405895461.

ClinVar aggregate classification (germline): Uncertain significance (1 of 4 stars; one submission).

Conditions:
Charcot-Marie-Tooth disease type 4. Also called: Charcot-Marie-Tooth disease, type IV; Charcot-Marie-Tooth, Type 4. Identifiers: Orphanet 64749, MedGen C4082197, MONDO:0018995.

Submission:

Labcorp Genetics (formerly Invitae), Labcorp
Classification: Uncertain significance for Charcot-Marie-Tooth disease type 4. Last evaluated: 2020-09-21. Review status: criteria provided, single submitter. Criteria: Invitae Variant Classification Sherloc (09022015). Collection method: clinical testing. Allele origin: germline.
Comment: This sequence change replaces alanine with glycine at codon 948 of the PRX protein (p.Ala948Gly). The alanine residue is moderately conserved and there is a small physicochemical difference between alanine and glycine. In summary, the available evidence is currently insufficient to determine the role of this variant in disease. Therefore, it has been classified as a Variant of Uncertain Significance. Algorithms developed to predict the effect of sequence changes on RNA splicing suggest that this variant may create or strengthen a splice site, but this prediction has not been confirmed by published transcriptional studies. Algorithms developed to predict the effect of missense changes on protein structure and function are either unavailable or do not agree on the potential impact of this missense change (SIFT: "Deleterious"; PolyPhen-2: "Possibly Damaging"; Align-GVGD: "Class C0"). This variant has not been reported in the literature in individuals with PRX-related conditions. This variant is not present in population databases (ExAC no frequency).